The following is an entry in ClinVar:

NM_002471.4(MYH6):c.2762_2766del (p.Val921fs)

Gene: MYH6 (myosin heavy chain 6; minus strand). Cytogenetic location: 14q11.2.
Variant type: Deletion.
Coding change: c.2762_2766del on transcript NM_002471.4 (MANE Select); coding-DNA positions 2762 to 2766, 5 bases deleted (TAAAG; older notation c.2762_2766delTAAAG).
Protein change: p.Val921fs; shifts the reading frame from valine 921.
Molecular consequence: frameshift variant.
Genome position (GRCh38, 1-based): chr14:23,393,828-23,393,832, CTTTA deleted on the plus strand (TAAAG on the coding strand, the reverse complement: MYH6 is on the minus strand); deleting any 5 consecutive bases within chr14:23,393,828-23,393,836 gives the same sequence; the c. name uses the placement nearest the transcript's 3' end. VCF-style (leftmost placement, unchanged base first): chr14-23393827-CCTTTA-C. GRCh37 (hg19) VCF-style: chr14-23863036-CCTTTA-C.
Other names: c.2762_2766delTAAAG (NM_002471.3); short protein forms V921fs.
Identifiers: ClinVar variation 5025119 (VCV005025119.1).

ClinVar aggregate classification (germline): Uncertain significance (1 of 4 stars; one submission).

Conditions:
Cardiovascular phenotype. Identifiers: MedGen CN230736.

Submission:

Ambry Genetics
Classification: Uncertain significance for Cardiovascular phenotype. Last evaluated: 2026-06-26. Review status: criteria provided, single submitter. Criteria: Ambry Variant Classification Scheme 2023. Collection method: clinical testing. Allele origin: germline.
Comment: The c.2762_2766delTAAAG variant, located in coding exon 20 of the MYH6 gene, results from a deletion of 5 nucleotides at nucleotide positions 2762 to 2766, causing a translational frameshift with a predicted alternate stop codon (p.V921Gfs*4). This variant is expected to result in protein truncation or nonsense-mediated mRNA decay. However, loss of function has not been established as a mechanism of disease. Based on the available evidence, the clinical significance of this variant remains unclear.